The following is an entry in ClinVar:

ClinVar aggregate classification (germline): Uncertain significance (1 of 4 stars; one submission).

Conditions:
Wilson disease (WND). Also called: Wilson's disease. Identifiers: Orphanet 905, MedGen C0019202, MONDO:0010200, OMIM 277900. Disease mechanism: loss of function.

Allele frequency attached by ClinVar (database versions not stated): gnomAD exomes below 0.00001.
gnomAD v4.1: 1 of 1,614,272 alleles (0.000062%); highest among the groups gnomAD compares: Non-Finnish European, 0.000085%; no homozygotes.

Submission:

Labcorp Genetics (formerly Invitae), Labcorp
Classification: Uncertain significance for Wilson disease. Last evaluated: 2024-10-29. Review status: criteria provided, single submitter. Criteria: Invitae Variant Classification Sherloc (09022015). Collection method: clinical testing. Allele origin: germline.
Comment: This sequence change replaces serine, which is neutral and polar, with threonine, which is neutral and polar, at codon 36 of the ATP7B protein (p.Ser36Thr). This variant is not present in population databases (gnomAD no frequency). This variant has not been reported in the literature in individuals affected with ATP7B-related conditions. ClinVar contains an entry for this variant (Variation ID: 2073706). Invitae Evidence Modeling of protein sequence and biophysical properties (such as structural, functional, and spatial information, amino acid conservation, physicochemical variation, residue mobility, and thermodynamic stability) indicates that this missense variant is not expected to disrupt ATP7B protein function with a negative predictive value of 95%. In summary, the available evidence is currently insufficient to determine the role of this variant in disease. Therefore, it has been classified as a Variant of Uncertain Significance.

NM_000053.4(ATP7B):c.107G>C (p.Ser36Thr)

Gene: ATP7B (ATPase copper transporting beta; minus strand). Cytogenetic location: 13q14.3.
Variant type: single nucleotide variant.
Coding change: c.107G>C on transcript NM_000053.4 (MANE Select); coding-DNA position 107, G replaced by C.
Protein change: p.Ser36Thr; replaces serine 36 with threonine.
Molecular consequence: missense variant.
Genome position (GRCh38, 1-based): chr13:51,975,113, C>G on the plus strand (G>C on the coding strand, the complement: ATP7B is on the minus strand). VCF-style: chr13-51975113-C-G. GRCh37 (hg19) VCF-style: chr13-52549249-C-G.
Other names: c.107G>C, p.Ser36Thr (NM_001406526.1, NM_001406527.1, NM_001406528.1 and 30 more transcripts); c.11G>C, p.Ser4Thr (NM_001406530.1, NM_001406536.1, NM_001406539.1 and 4 more transcripts); short protein forms S36T, S4T.
Identifiers: ClinVar variation 2073706 (VCV002073706.4), dbSNP rs2547826027, ClinGen allele CA388045317.